The following is an entry in ClinVar:

NM_001430.5(EPAS1):c.1358G>A (p.Ser453Asn)

Gene: EPAS1 (endothelial PAS domain protein 1; plus strand). Cytogenetic location: 2p21.
Variant type: single nucleotide variant.
Coding change: c.1358G>A on transcript NM_001430.5 (MANE Select); coding-DNA position 1358, G replaced by A.
Protein change: p.Ser453Asn; replaces serine 453 with asparagine.
Molecular consequence: missense variant.
Genome position (GRCh38, 1-based): chr2:46,378,002, G>A. VCF-style: chr2-46378002-G-A. GRCh37 (hg19) VCF-style: chr2-46605141-G-A.
Other names: short protein forms S453N.
Identifiers: ClinVar variation 3508902 (VCV003508902.1).

ClinVar aggregate classification (germline): Uncertain significance (1 of 4 stars; one submission).

Conditions:
Inborn genetic diseases. Identifiers: MedGen C0950123, MeSH D030342.

Submission:

Ambry Genetics
Classification: Uncertain significance for Inborn genetic diseases. Last evaluated: 2024-09-30. Review status: criteria provided, single submitter. Criteria: Ambry Variant Classification Scheme 2023. Collection method: clinical testing. Allele origin: germline.
Comment: The p.S453N variant (also known as c.1358G>A), located in coding exon 10 of the EPAS1 gene, results from a G to A substitution at nucleotide position 1358. The serine at codon 453 is replaced by asparagine, an amino acid with highly similar properties. This amino acid position is conserved. In addition, this alteration is predicted to be tolerated by in silico analysis. Based on the available evidence, the clinical significance of this variant remains unclear.